The following is an entry in ClinVar:

ClinVar aggregate classification (germline): Uncertain significance. Review status: criteria provided, multiple submitters, no conflicts (2 of 4 stars). 5 submissions from 3 submitters: Uncertain significance (5). Last evaluated 2025-07-14.

Conditions:
Hypertrophic cardiomyopathy 2. Also called: TNNT2-Related Familial Hypertrophic Cardiomyopathy. Identifiers: MedGen C1861864, MONDO:0007266, OMIM 115195.
Dilated cardiomyopathy 1D. Identifiers: Orphanet 154, Orphanet 54260, MedGen C1832243, MONDO:0011095, OMIM 601494.
Cardiomyopathy, familial restrictive, 3. Identifiers: Orphanet 75249, MedGen C2676271, MONDO:0012900, OMIM 612422.

Submissions (5):

Labcorp Genetics (formerly Invitae), Labcorp
Classification: Uncertain significance for Cardiomyopathy, familial restrictive, 3; Hypertrophic cardiomyopathy 2; Dilated cardiomyopathy 1D. Last evaluated: 2025-07-14. Review status: criteria provided, single submitter. Criteria: Invitae Variant Classification Sherloc (09022015). Collection method: clinical testing. Allele origin: germline.
Comment: This sequence change replaces tyrosine, which is neutral and polar, with histidine, which is basic and polar, at codon 259 of the TNNT2 protein (p.Tyr259His). This variant is not present in population databases (gnomAD no frequency). This variant has not been reported in the literature in individuals affected with TNNT2-related conditions. ClinVar contains an entry for this variant (Variation ID: 181632). Invitae Evidence Modeling of protein sequence and biophysical properties (such as structural, functional, and spatial information, amino acid conservation, physicochemical variation, residue mobility, and thermodynamic stability) has been performed for this missense variant. However, the output from this modeling did not meet the statistical confidence thresholds required to predict the impact of this variant on TNNT2 protein function. In summary, the available evidence is currently insufficient to determine the role of this variant in disease. Therefore, it has been classified as a Variant of Uncertain Significance.

GeneDx
Classification: Uncertain significance. Last evaluated: 2023-04-13. Review status: criteria provided, single submitter. Criteria: GeneDx Variant Classification Process June 2021. Collection method: clinical testing. Allele origin: germline. Affected: yes.
Comment: Not observed at significant frequency in large population cohorts (gnomAD); In silico analysis supports that this missense variant has a deleterious effect on protein structure/function; Has not been previously published as pathogenic or benign to our knowledge

Genome-Nilou Lab
Classification: Uncertain significance for Dilated cardiomyopathy 1D. Last evaluated: 2023-04-11. Review status: criteria provided, single submitter. Criteria: ACMG Guidelines, 2015. Collection method: clinical testing. Allele origin: germline. Affected: no.

Genome-Nilou Lab
Classification: Uncertain significance for Cardiomyopathy, familial restrictive, 3. Last evaluated: 2023-04-11. Review status: criteria provided, single submitter. Criteria: ACMG Guidelines, 2015. Collection method: clinical testing. Allele origin: germline. Affected: no.

Genome-Nilou Lab
Classification: Uncertain significance for Hypertrophic cardiomyopathy 2. Last evaluated: 2023-04-11. Review status: criteria provided, single submitter. Criteria: ACMG Guidelines, 2015. Collection method: clinical testing. Allele origin: germline. Affected: no.

NM_001276345.2(TNNT2):c.805T>C (p.Tyr269His)

Gene: TNNT2 (troponin T2, cardiac type; minus strand). Cytogenetic location: 1q32.1.
Variant type: single nucleotide variant.
Coding change: c.805T>C on transcript NM_001276345.2 (MANE Select); coding-DNA position 805, T replaced by C.
Protein change: p.Tyr269His; replaces tyrosine 269 with histidine.
Molecular consequence: missense variant.
Genome position (GRCh38, 1-based): chr1:201,361,284, A>G on the plus strand (T>C on the coding strand, the complement: TNNT2 is on the minus strand). VCF-style: chr1-201361284-A-G. GRCh37 (hg19) VCF-style: chr1-201330412-A-G.
Other names: p.Y259H:TAT>CAT; c.796T>C, p.Tyr266His (NM_000364.4); c.775T>C, p.Tyr259His (NM_001001430.3, NM_001276347.2); c.766T>C, p.Tyr256His (NM_001001431.3); c.757T>C, p.Tyr253His (NM_001001432.3); c.676T>C, p.Tyr226His (NM_001276346.2); short protein forms Y259H, Y266H, Y226H, Y256H, Y269H, Y253H.
Identifiers: ClinVar variation 181632 (VCV000181632.11), dbSNP rs730881112, ClinGen allele CA005107.